The following is an entry in ClinVar:

NM_015404.4(WHRN):c.1259A>G (p.Asn420Ser)

Gene: WHRN (whirlin; minus strand). Cytogenetic location: 9q32.
Variant type: single nucleotide variant.
Coding change: c.1259A>G on transcript NM_015404.4 (MANE Select); coding-DNA position 1259, A replaced by G.
Protein change: p.Asn420Ser; replaces asparagine 420 with serine.
Molecular consequence: missense variant.
Genome position (GRCh38, 1-based): chr9:114,424,491, T>C on the plus strand (A>G on the coding strand, the complement: WHRN is on the minus strand). VCF-style: chr9-114424491-T-C. GRCh37 (hg19) VCF-style: chr9-117186771-T-C.
Other names: c.110A>G, p.Asn37Ser (NM_001083885.3); c.1259A>G, p.Asn420Ser (NM_001173425.2); c.206A>G, p.Asn69Ser (NM_001346890.1); short protein forms N37S, N420S, N69S.
Identifiers: ClinVar variation 4074313 (VCV004074313.1).

ClinVar aggregate classification (germline): Uncertain significance (1 of 4 stars; one submission).

gnomAD v4.1: 4 of 1,614,026 alleles (0.00025%); highest among the groups gnomAD compares: East Asian, 0.0089%; no homozygotes.

Submission:

GeneDx
Classification: Uncertain significance. Last evaluated: 2025-02-11. Review status: criteria provided, single submitter. Criteria: GeneDx Variant Classification Process June 2021. Collection method: clinical testing. Allele origin: germline. Affected: yes.
Comment: In silico analysis indicates that this missense variant does not alter protein structure/function; Has not been previously published as pathogenic or benign to our knowledge